The following is an entry in ClinVar:

ClinVar aggregate classification (germline): Uncertain significance (1 of 4 stars; one submission).

Submission:

Labcorp Genetics (formerly Invitae), Labcorp
Classification: Uncertain significance. Last evaluated: 2021-04-16. Review status: criteria provided, single submitter. Criteria: Invitae Variant Classification Sherloc (09022015). Collection method: clinical testing. Allele origin: germline.
Comment: In summary, the available evidence is currently insufficient to determine the role of this variant in disease. Therefore, it has been classified as a Variant of Uncertain Significance. Algorithms developed to predict the effect of missense changes on protein structure and function are either unavailable or do not agree on the potential impact of this missense change (SIFT: "Deleterious"; PolyPhen-2: "Probably Damaging"; Align-GVGD: "Class C0"). This variant has not been reported in the literature in individuals with SCN3A-related conditions. This variant is not present in population databases (ExAC no frequency). This sequence change replaces aspartic acid with asparagine at codon 1740 of the SCN3A protein (p.Asp1740Asn). The aspartic acid residue is moderately conserved and there is a small physicochemical difference between aspartic acid and asparagine.

NM_006922.4(SCN3A):c.5218G>A (p.Asp1740Asn)

Gene: SCN3A (sodium voltage-gated channel alpha subunit 3; minus strand). Cytogenetic location: 2q24.3.
Variant type: single nucleotide variant.
Coding change: c.5218G>A on transcript NM_006922.4 (MANE Select); coding-DNA position 5218, G replaced by A.
Protein change: p.Asp1740Asn; replaces aspartic acid 1740 with asparagine.
Molecular consequence: missense variant.
Genome position (GRCh38, 1-based): chr2:165,090,935, C>T on the plus strand (G>A on the coding strand, the complement: SCN3A is on the minus strand). VCF-style: chr2-165090935-C-T. GRCh37 (hg19) VCF-style: chr2-165947445-C-T.
Other names: c.5071G>A, p.Asp1691Asn (NM_001081676.2, NM_001081677.2); short protein forms D1691N, D1740N.
Identifiers: ClinVar variation 1460688 (VCV001460688.8), dbSNP rs2105620135, ClinGen allele CA349016739.